The following is an entry in ClinVar:

ClinVar aggregate classification (germline): Conflicting classifications of pathogenicity. Review status: criteria provided, conflicting classifications (1 of 4 stars). 2 submissions from 2 submitters: Uncertain significance (1); Likely benign (1). Last evaluated 2024-10-06.

Conditions:
Adams-Oliver syndrome 5 (AOS5). Identifiers: Orphanet 974, MedGen C4014970, MONDO:0014459, OMIM 616028.

Allele frequency attached by ClinVar (database versions not stated): TOPMed below 0.00001; ExAC 0.00001; gnomAD exomes 0.00001 and 0.00002.
gnomAD v4.1: 30 of 1,613,132 alleles (0.0019%); highest among the groups gnomAD compares: South Asian, 0.0033%; no homozygotes.

Submissions (2):

Labcorp Genetics (formerly Invitae), Labcorp
Classification: Likely benign for Adams-Oliver syndrome 5. Last evaluated: 2024-10-06. Review status: criteria provided, single submitter. Criteria: Invitae Variant Classification Sherloc (09022015). Collection method: clinical testing. Allele origin: germline.

GeneDx
Classification: Uncertain significance. Last evaluated: 2023-03-16. Review status: criteria provided, single submitter. Criteria: GeneDx Variant Classification Process June 2021. Collection method: clinical testing. Allele origin: germline. Affected: yes.
Comment: Not observed at significant frequency in large population cohorts (gnomAD); In silico analysis supports that this missense variant has a deleterious effect on protein structure/function; Has not been previously published as pathogenic or benign to our knowledge

NM_017617.5(NOTCH1):c.7114C>T (p.Arg2372Trp)

Gene: NOTCH1 (notch receptor 1; minus strand). Cytogenetic location: 9q34.3.
Variant type: single nucleotide variant.
Coding change: c.7114C>T on transcript NM_017617.5 (MANE Select); coding-DNA position 7114, C replaced by T.
Protein change: p.Arg2372Trp; replaces arginine 2372 with tryptophan.
Molecular consequence: missense variant.
Genome position (GRCh38, 1-based): chr9:136,496,625, G>A on the plus strand (C>T on the coding strand, the complement: NOTCH1 is on the minus strand). VCF-style: chr9-136496625-G-A. GRCh37 (hg19) VCF-style: chr9-139391077-G-A.
Other names: c.7114C>T (NM_017617.3); short protein forms R2372W.
Identifiers: ClinVar variation 1000234 (VCV001000234.9), dbSNP rs754234580, ClinGen allele CA5339751.
Genomic context (GRCh38, chr9:136,496,625, plus strand): 5'-TCTGTAAGTTTTGTGGCTGCACCTGCTGGGTCTGCACCAGGTGAGGCTGGGTGGCCAGCC[G>A]GGTGCTGGGCAGGCCCTGGTAGCTCATCATCTGGGACAGGGCGCTGGCAGCAAGGCTACT-3'
Protein context (NP_060087.3, residues 2362-2382): MMSYQGLPST[Arg2372Trp]LATQPHLVQT